The following is an entry in ClinVar:

ClinVar aggregate classification (germline): Conflicting classifications of pathogenicity. Review status: criteria provided, conflicting classifications (1 of 4 stars). 5 submissions from 5 submitters: Uncertain significance (3); Benign (1); Likely benign (1). Last evaluated 2025-12-29.

Conditions:
X-linked intellectual disability with marfanoid habitus. Also called: INTELLECTUAL DEVELOPMENTAL DISORDER, X-LINKED, SYNDROMIC, LUJAN-FRYNS TYPE; X-linked mental retardation with marfanoid habitus syndrome; Lujan Syndrome; Lujan Syndrome (LS). Identifiers: Orphanet 776, MedGen C0796022, MONDO:0010655, OMIM 309520.
Cholestasis-pigmentary retinopathy-cleft palate syndrome (HDKR). Also called: Hardikar Syndrome (HS). Identifiers: Orphanet 1415, MedGen C0795969, MeSH C535632, MONDO:0012997, OMIM 301068.
Blepharophimosis - intellectual disability syndrome, MKB type. Also called: X-Linked Ohdo Syndrome (XLOS); BLEPHAROPHIMOSIS-MENTAL RETARDATION SYNDROME, MAAT-KIEVIT-BRUNNER TYPE; Ohdo syndrome, X-linked. Identifiers: Orphanet 293707, MedGen C3698541, MONDO:0010477, OMIM 300895.
FG syndrome 1 (OKS). Also called: OPITZ-KAVEGGIA SYNDROME; KELLER SYNDROME; MENTAL RETARDATION, LARGE HEAD, IMPERFORATE ANUS, CONGENITAL HYPOTONIA, AND PARTIAL AGENESIS OF CORPUS CALLOSUM; FG Syndrome Type 1 (FGS1). Identifiers: Orphanet 93932, MedGen C5399762, MONDO:0010590, OMIM 305450.
FG syndrome (FGS). Identifiers: MedGen C0220769, MONDO:0002010.
MED12-Related Disorders. Also called: MED12-related condition; MED12-related disorder. Identifiers: MedGen CN381102.

Allele frequency attached by ClinVar (database versions not stated): TOPMed 0.00001; gnomAD exomes 0.00002; gnomAD 0.00002; ExAC 0.00005.
gnomAD v4.1: 10 of 1,209,905 alleles (0.00083%); highest among the groups gnomAD compares: Non-Finnish European, 0.00078%; no homozygotes.

Submissions (5):

Labcorp Genetics (formerly Invitae), Labcorp
Classification: Benign for FG syndrome. Last evaluated: 2025-12-29. Review status: criteria provided, single submitter. Criteria: Invitae Variant Classification Sherloc (09022015). Collection method: clinical testing. Allele origin: germline.

PreventionGenetics, part of Exact Sciences
Classification: Uncertain significance for MED12-related condition. Last evaluated: 2022-08-26. Review status: criteria provided, single submitter. Criteria: ACMG Guidelines, 2015. Collection method: clinical testing. Allele origin: germline.
Comment: The MED12 c.439G>A variant is predicted to result in the amino acid substitution p.Ala147Thr. To our knowledge, this variant has not been reported in the literature. This variant is reported in 0.0054% of alleles in individuals of European (Non-Finnish) descent in gnomAD. At this time, the clinical significance of this variant is uncertain due to the absence of conclusive functional and genetic evidence.

Fulgent Genetics
Classification: Uncertain significance for Blepharophimosis - intellectual disability syndrome, MKB type; Cholestasis-pigmentary retinopathy-cleft palate syndrome; FG syndrome 1; X-linked intellectual disability with marfanoid habitus. Last evaluated: 2022-04-25. Review status: criteria provided, single submitter. Criteria: ACMG Guidelines, 2015. Collection method: clinical testing. Allele origin: unknown.

Institute for Clinical Genetics, University Hospital TU Dresden, University Hospital TU Dresden
Classification: Uncertain significance. Last evaluated: 2021-11-03. Review status: criteria provided, single submitter. Criteria: ACMG Guidelines, 2015. Collection method: clinical testing. Allele origin: germline.

Blueprint Genetics
Classification: Likely benign. Last evaluated: 2019-09-26. Review status: criteria provided, single submitter. Criteria: ACMG Guidelines, 2015. Collection method: clinical testing. Allele origin: germline.

NM_005120.3(MED12):c.439G>A (p.Ala147Thr)

Gene: MED12 (mediator complex subunit 12; plus strand). Cytogenetic location: Xq13.1.
Variant type: single nucleotide variant.
Coding change: c.439G>A on transcript NM_005120.3 (MANE Select); coding-DNA position 439, G replaced by A.
Protein change: p.Ala147Thr; replaces alanine 147 with threonine.
Molecular consequence: missense variant.
Genome position (GRCh38, 1-based): chrX:71,120,056, G>A. VCF-style: chrX-71120056-G-A. GRCh37 (hg19) VCF-style: chrX-70339906-G-A.
Other names: short protein forms A147T.
Identifiers: ClinVar variation 1319901 (VCV001319901.9), dbSNP rs748453083, ClinGen allele CA10444038.